The following is an entry in ClinVar:

NM_004329.3(BMPR1A):c.1473+6_1473+10dup

Gene: BMPR1A (bone morphogenetic protein receptor type 1A; plus strand). Cytogenetic location: 10q23.2.
Variant type: Duplication.
Coding change: c.1473+6_1473+10dup on transcript NM_004329.3 (MANE Select); bases 6 to 10 of the intron after coding-DNA position 1473, 5 bases duplicated (TGGAA; older notation c.1473+6_1473+10dupTGGAA).
Molecular consequence: intron variant.
Genome position (GRCh38, 1-based): chr10:86,923,512-86,923,516, TGGAA duplicated. VCF-style (leftmost placement, unchanged base first): chr10-86923511-G-GTGGAA. GRCh37 (hg19) VCF-style: chr10-88683268-G-GTGGAA.
Other names: c.1473+6_1473+10dup (NM_001406562.1, NM_001406568.1, NM_001406567.1 and 20 more transcripts); c.1389+6_1389+10dup (NM_001406584.1, NM_001406588.1, NM_001406587.1 and 2 more transcripts); c.1521+6_1521+10dup (NM_001406560.1); c.1548+6_1548+10dup (NM_001406559.1); c.1467+6_1467+10dup (NM_001406583.1); c.1131+6_1131+10dup (NM_001406589.1).
Identifiers: ClinVar variation 3379085 (VCV003379085.4).

ClinVar aggregate classification (germline): Conflicting classifications of pathogenicity. Review status: criteria provided, conflicting classifications (1 of 4 stars). 3 submissions from 3 submitters: Uncertain significance (1); Benign (1); Likely benign (1). Last evaluated 2025-04-24.

Conditions:
Juvenile polyposis syndrome (JPS). Identifiers: Orphanet 2929, MedGen C0345893, MONDO:0017380, OMIM 174900.

Submissions (3):

Quest Diagnostics Nichols Institute San Juan Capistrano
Classification: Uncertain significance. Last evaluated: 2025-04-24. Review status: criteria provided, single submitter. Criteria: Quest Diagnostics criteria. Collection method: clinical testing. Allele origin: unknown.
Comment: The BMPR1A c.1473+6_1473+10dup variant has not been reported in individuals with BMPR1A-related conditions in the published literature. It also has not been reported in large, multi-ethnic general populations (Genome Aggregation Database). Analysis of this variant using software algorithms for the prediction of the effect of nucleotide changes on splicing yielded predictions that this variant does not affect BMPR1A mRNA splicing. Based on the available information, we are unable to determine the clinical significance of this variant.

Labcorp Genetics (formerly Invitae), Labcorp
Classification: Likely benign for Juvenile polyposis syndrome. Last evaluated: 2024-12-04. Review status: criteria provided, single submitter. Criteria: Invitae Variant Classification Sherloc (09022015). Collection method: clinical testing. Allele origin: germline.

Myriad Genetics, Inc.
Classification: Benign for Juvenile polyposis syndrome. Last evaluated: 2024-08-08. Review status: criteria provided, single submitter. Criteria: Myriad Autosomal Dominant, Autosomal Recessive and X-Linked Classification Criteria (2023). Collection method: clinical testing. Allele origin: unknown.
Comment: This variant is considered benign. This variant is intronic and is not expected to impact mRNA splicing.